The following is an entry in ClinVar:

NM_052947.4(ALPK2):c.6389T>C (p.Leu2130Pro)

Gene: ALPK2 (alpha kinase 2; minus strand). Cytogenetic location: 18q21.31.
Variant type: single nucleotide variant.
Coding change: c.6389T>C on transcript NM_052947.4 (MANE Select); coding-DNA position 6389, T replaced by C.
Protein change: p.Leu2130Pro; replaces leucine 2130 with proline.
Molecular consequence: missense variant.
Genome position (GRCh38, 1-based): chr18:58,481,947, A>G on the plus strand (T>C on the coding strand, the complement: ALPK2 is on the minus strand). VCF-style: chr18-58481947-A-G. GRCh37 (hg19) VCF-style: chr18-56149179-A-G.
Other names: short protein forms L2130P.
Identifiers: ClinVar variation 3228859 (VCV003228859.1), dbSNP rs2518842687, ClinGen allele CA402538596.
Genomic context (GRCh38, chr18:58,481,947, plus strand): 5'-ACTTTGCTTTTCCCAATGCTCGGCTGCTTCTGTTTCTGGTTGTTGTTTTGAAGGGATTTC[A>G]GTCCCAGCATTTTGCAATACTTGTTACACTGGTGTAGTGCTTTAAACTGATCAATGAAGG-3'
Protein context (NP_443179.3, residues 2120-2140): QCNKYCKMLG[Leu2130Pro]KSLQNNNQKQ

ClinVar aggregate classification (germline): Uncertain significance (1 of 4 stars; one submission).

Allele frequency attached by ClinVar (database versions not stated): gnomAD exomes below 0.00001.
gnomAD v4.1: 1 of 1,614,228 alleles (0.000062%); highest among the groups gnomAD compares: Non-Finnish European, 0.000085%; no homozygotes.

Submission:

Ambry Genetics
Classification: Uncertain significance. Last evaluated: 2024-03-08. Review status: criteria provided, single submitter. Criteria: Ambry Variant Classification Scheme 2023. Collection method: clinical testing. Allele origin: germline.
Comment: The p.L2130P variant (also known as c.6389T>C), located in coding exon 12 of the ALPK2 gene, results from a T to C substitution at nucleotide position 6389. The leucine at codon 2130 is replaced by proline, an amino acid with similar properties. This amino acid position is conserved. In addition, this alteration is predicted to be deleterious by in silico analysis. Based on the available evidence, the clinical significance of this alteration remains unclear.